The following is an entry in ClinVar:

NM_000548.5(TSC2):c.615G>A (p.Leu205=)

Gene: TSC2 (TSC complex subunit 2; plus strand). Cytogenetic location: 16p13.3.
Variant type: single nucleotide variant.
Coding change: c.615G>A on transcript NM_000548.5 (MANE Select); coding-DNA position 615, G replaced by A.
Protein change: p.Leu205=; no amino-acid change (leucine 205 retained).
Molecular consequence: synonymous variant.
Genome position (GRCh38, 1-based): chr16:2,056,211, G>A. VCF-style: chr16-2056211-G-A. GRCh37 (hg19) VCF-style: chr16-2106212-G-A.
Other names: c.615G>A, p.Leu205= (NM_001077183.3, NM_001114382.3, NM_001363528.2 and 3 more transcripts); c.504G>A, p.Leu168= (NM_001318827.2); c.468G>A, p.Leu156= (NM_001318829.2); c.15G>A, p.Leu5= (NM_001318831.2); c.648G>A, p.Leu216= (NM_001318832.2).
Identifiers: ClinVar variation 755217 (VCV000755217.11), dbSNP rs1596275291, ClinGen allele CA492956305.

ClinVar aggregate classification (germline): Benign/Likely benign. Review status: criteria provided, multiple submitters, no conflicts (2 of 4 stars). 3 submissions from 3 submitters: Benign (1); Likely benign (2). Last evaluated 2026-07-27.

Conditions:
Hereditary cancer-predisposing syndrome. Also called: Tumor predisposition; Hereditary Cancer Syndrome; Neoplastic Syndromes, Hereditary; Hereditary neoplastic syndrome. Identifiers: Orphanet 140162, MedGen C0027672, MeSH D009386, MONDO:0015356.
Tuberous sclerosis 2 (TSC2). Identifiers: Orphanet 805, MedGen C1860707, MONDO:0013199, OMIM 613254.

gnomAD v4.1: 3 of 1,614,018 alleles (0.00019%); highest among the groups gnomAD compares: Non-Finnish European, 0.00025%; no homozygotes.

Submissions (3):

Ambry Genetics
Classification: Likely benign for Hereditary cancer-predisposing syndrome. Last evaluated: 2026-07-27. Review status: criteria provided, single submitter. Criteria: Ambry Variant Classification Scheme 2023. Collection method: clinical testing. Allele origin: germline.

Labcorp Genetics (formerly Invitae), Labcorp
Classification: Likely benign for Tuberous sclerosis 2. Last evaluated: 2025-05-26. Review status: criteria provided, single submitter. Criteria: Invitae Variant Classification Sherloc (09022015). Collection method: clinical testing. Allele origin: germline.

Myriad Genetics, Inc.
Classification: Benign for Tuberous sclerosis 2. Last evaluated: 2025-05-08. Review status: criteria provided, single submitter. Criteria: Myriad Autosomal Dominant, Autosomal Recessive and X-Linked Classification Criteria (2023). Collection method: clinical testing. Allele origin: unknown.
Comment: This variant is considered benign. This variant is a silent/synonymous amino acid change and it is not expected to impact splicing.